The following is an entry in ClinVar:

ClinVar aggregate classification (germline): Uncertain significance (1 of 4 stars; one submission).

Conditions:
PLXNA1-related disorder. Also called: PLXNA1-related condition.

gnomAD v4.1: 1 of 1,588,856 alleles (0.000063%); highest among the groups gnomAD compares: Non-Finnish European, 0.000086%; no homozygotes.

Submission:

PreventionGenetics, part of Exact Sciences
Classification: Uncertain significance for PLXNA1-related condition. Last evaluated: 2025-06-20. Review status: criteria provided, single submitter. Criteria: ACMG Guidelines, 2015. Collection method: clinical testing. Allele origin: germline.
Comment: The PLXNA1 c.1604G>A variant is predicted to result in the amino acid substitution p.Cys535Tyr. To our knowledge, this variant has not been reported in the literature. This variant is reported in 0.0011% of alleles in individuals of European (Non-Finnish) descent in gnomAD. At this time, the clinical significance of this variant is uncertain due to the absence of conclusive functional and genetic evidence.

NM_032242.4(PLXNA1):c.1604G>A (p.Cys535Tyr)

Gene: PLXNA1 (plexin A1; plus strand). Cytogenetic location: 3q21.3.
Variant type: single nucleotide variant.
Coding change: c.1604G>A on transcript NM_032242.4 (MANE Select); coding-DNA position 1604, G replaced by A.
Protein change: p.Cys535Tyr; replaces cysteine 535 with tyrosine.
Molecular consequence: missense variant.
Genome position (GRCh38, 1-based): chr3:127,004,696, G>A. VCF-style: chr3-127004696-G-A. GRCh37 (hg19) VCF-style: chr3-126723539-G-A.
Other names: short protein forms C535Y.
Identifiers: ClinVar variation 5002376 (VCV005002376.1).